The following is an entry in ClinVar:

ClinVar aggregate classification (germline): Uncertain significance (1 of 4 stars; one submission).

Conditions:
Duchenne muscular dystrophy (DMD). Also called: MUSCULAR DYSTROPHY, PSEUDOHYPERTROPHIC PROGRESSIVE, DUCHENNE TYPE; Duchenne Muscular Dystrophy (DMD). Identifiers: Orphanet 98896, MedGen C0013264, MONDO:0010679, OMIM 310200.

Allele frequency attached by ClinVar (database versions not stated): gnomAD exomes below 0.00001; ExAC 0.00001.
gnomAD v4.1: 1 of 1,209,458 alleles (0.000083%); highest among the groups gnomAD compares: East Asian, 0.003%; no homozygotes.

Submission:

Labcorp Genetics (formerly Invitae), Labcorp
Classification: Uncertain significance for Duchenne muscular dystrophy. Last evaluated: 2022-04-28. Review status: criteria provided, single submitter. Criteria: Invitae Variant Classification Sherloc (09022015). Collection method: clinical testing. Allele origin: germline.
Comment: This sequence change replaces leucine, which is neutral and non-polar, with valine, which is neutral and non-polar, at codon 3646 of the DMD protein (p.Leu3646Val). This variant is present in population databases (rs753289022, gnomAD 0.008%). This variant has not been reported in the literature in individuals affected with DMD-related conditions. Algorithms developed to predict the effect of missense changes on protein structure and function are either unavailable or do not agree on the potential impact of this missense change (SIFT: "Tolerated"; PolyPhen-2: "Possibly Damaging"; Align-GVGD: "Class C0"). In summary, the available evidence is currently insufficient to determine the role of this variant in disease. Therefore, it has been classified as a Variant of Uncertain Significance.

NM_004006.3(DMD):c.10936C>G (p.Leu3646Val)

Gene: DMD (dystrophin; minus strand). Cytogenetic location: Xp21.2.
Variant type: single nucleotide variant.
Coding change: c.10936C>G on transcript NM_004006.3 (MANE Select); coding-DNA position 10936, C replaced by G.
Protein change: p.Leu3646Val; replaces leucine 3646 with valine.
Molecular consequence: missense variant.
Genome position (GRCh38, 1-based): chrX:31,134,180, G>C on the plus strand (C>G on the coding strand, the complement: DMD is on the minus strand). VCF-style: chrX-31134180-G-C. GRCh37 (hg19) VCF-style: chrX-31152297-G-C.
Other names: c.10912C>G, p.Leu3638Val (NM_000109.4); c.10924C>G, p.Leu3642Val (NM_004009.3); c.10567C>G, p.Leu3523Val (NM_004010.3); c.6913C>G, p.Leu2305Val (NM_004011.4); c.6904C>G, p.Leu2302Val (NM_004012.4); c.3556C>G, p.Leu1186Val (NM_004013.3, NM_004021.3); c.2749C>G, p.Leu917Val (NM_004014.3); c.1732C>G, p.Leu578Val (NM_004015.3, NM_004016.3); and 3 more; short protein forms L1173V, L1186V, L2305V, L3646V, L917V, L1076V, L565V, L2302V.
Identifiers: ClinVar variation 2131177 (VCV002131177.1), dbSNP rs753289022, ClinGen allele CA10377503.